The following is an entry in ClinVar:

ClinVar aggregate classification (germline): Likely pathogenic (1 of 4 stars; one submission).

Conditions:
Argininosuccinate lyase deficiency. Also called: ARGININOSUCCINIC ACID LYASE DEFICIENCY; ASL DEFICIENCY; Argininosuccinic aciduria. Identifiers: Orphanet 23, MedGen C0268547, MONDO:0008815, OMIM 207900, HP:0025630.

Submission:

Natera, Inc.
Classification: Likely pathogenic for Argininosuccinate lyase deficiency. Last evaluated: 2025-10-08. Review status: criteria provided, single submitter. Criteria: Natera Variant Classification Schema (03/2026). Collection method: clinical testing. Allele origin: germline.
Comment: The c.961T>A variant in ASL is a missense variant predicted to cause substitution of tyrosine to asparagine at amino acid 321. This variant is rare in the general population with a frequency below the threshold expected for the associated phenotype(s). This variant has been observed in one or more individuals affected with the associated recessive disease, as either homozygous or compound heterozygous with a second variant (PMID: 32410394, 30904546). This variant has been identified in one or more affected individual with a phenotype highly consistent with the associated gene (PMID: 32410394). Computational prediction algorithms indicate this variant is likely to affect gene or protein function. Given the available evidence, this variant is classified as Likely Pathogenic.

Literature cited by the submitters: PubMed 32410394; PubMed 30904546.

NM_000048.4(ASL):c.961T>A (p.Tyr321Asn)

Gene: ASL (argininosuccinate lyase; plus strand). Cytogenetic location: 7q11.21.
Variant type: single nucleotide variant.
Coding change: c.961T>A on transcript NM_000048.4 (MANE Select); coding-DNA position 961, T replaced by A.
Protein change: p.Tyr321Asn; replaces tyrosine 321 with asparagine.
Molecular consequence: missense variant. On other transcripts: intron variant (1).
Genome position (GRCh38, 1-based): chr7:66,089,318, T>A. VCF-style: chr7-66089318-T-A. GRCh37 (hg19) VCF-style: chr7-65554305-T-A.
Other names: c.961T>A, p.Tyr321Asn (NM_001024943.2); c.883T>A, p.Tyr295Asn (NM_001024946.2); c.918+143T>A (NM_001024944.2); short protein forms Y295N, Y321N.
Identifiers: ClinVar variation 4818373 (VCV004818373.1).